The following is an entry in ClinVar:

ClinVar aggregate classification (germline): Uncertain significance (1 of 4 stars; one submission).

Allele frequency attached by ClinVar (database versions not stated): gnomAD 0.00003 and 0.00004; TOPMed 0.00003.

Submission:

Labcorp Genetics (formerly Invitae), Labcorp
Classification: Uncertain significance. Last evaluated: 2024-10-31. Review status: criteria provided, single submitter. Criteria: Invitae Variant Classification Sherloc (09022015). Collection method: clinical testing. Allele origin: germline.
Comment: This sequence change replaces arginine, which is basic and polar, with histidine, which is basic and polar, at codon 168 of the SLC7A14 protein (p.Arg168His). This variant is present in population databases (no rsID available, gnomAD 0.0008%). This variant has not been reported in the literature in individuals affected with SLC7A14-related conditions. ClinVar contains an entry for this variant (Variation ID: 1505727). An algorithm developed to predict the effect of missense changes on protein structure and function outputs the following: PolyPhen-2: "Benign". The histidine amino acid residue is found in multiple mammalian species, which suggests that this missense change does not adversely affect protein function. In summary, the available evidence is currently insufficient to determine the role of this variant in disease. Therefore, it has been classified as a Variant of Uncertain Significance.

NM_020949.3(SLC7A14):c.503G>A (p.Arg168His)

Genes: SLC7A14 (solute carrier family 7 member 14; minus strand), SLC7A14-AS1 (SLC7A14 antisense RNA 1; plus strand). Cytogenetic location: 3q26.2.
Variant type: single nucleotide variant.
Coding change: c.503G>A on transcript NM_020949.3 (MANE Select); coding-DNA position 503, G replaced by A.
Protein change: p.Arg168His; replaces arginine 168 with histidine.
Molecular consequence: missense variant.
Genome position (GRCh38, 1-based): chr3:170,501,147, C>T on the plus strand (G>A on the coding strand, the complement: SLC7A14 is on the minus strand). VCF-style: chr3-170501147-C-T. GRCh37 (hg19) VCF-style: chr3-170218936-C-T.
Other names: short protein forms R168H.
Identifiers: ClinVar variation 1505727 (VCV001505727.6), dbSNP rs1329066774, ClinGen allele CA355516939.